The following is an entry in ClinVar:

ClinVar aggregate classification (germline): Uncertain significance (1 of 4 stars; one submission).

Conditions:
Familial cold autoinflammatory syndrome 3 (FCAS3). Also called: FAMILIAL ATYPICAL COLD URTICARIA; ANTIBODY DEFICIENCY AND IMMUNE DYSREGULATION, PLCG2-ASSOCIATED. Identifiers: Orphanet 300359, MedGen C3280914, MONDO:0013766, OMIM 614468.

Allele frequency attached by ClinVar (database versions not stated): TOPMed 0.00001; ESP Exome Variant Server 0.00008; ExAC below 0.00001; gnomAD 0.00001; gnomAD exomes 0.00001.
gnomAD v4.1: 16 of 1,613,274 alleles (0.00099%); highest among the groups gnomAD compares: Non-Finnish European, 0.0013%; no homozygotes.

Submission:

Labcorp Genetics (formerly Invitae), Labcorp
Classification: Uncertain significance for Familial cold autoinflammatory syndrome 3. Last evaluated: 2024-10-16. Review status: criteria provided, single submitter. Criteria: Invitae Variant Classification Sherloc (09022015). Collection method: clinical testing. Allele origin: germline.
Comment: This sequence change replaces arginine, which is basic and polar, with glutamine, which is neutral and polar, at codon 493 of the PLCG2 protein (p.Arg493Gln). This variant is not present in population databases (gnomAD no frequency). This variant has not been reported in the literature in individuals affected with PLCG2-related conditions. ClinVar contains an entry for this variant (Variation ID: 1045939). An algorithm developed to predict the effect of missense changes on protein structure and function (PolyPhen-2) suggests that this variant is likely to be tolerated. In summary, the available evidence is currently insufficient to determine the role of this variant in disease. Therefore, it has been classified as a Variant of Uncertain Significance.

NM_002661.5(PLCG2):c.1478G>A (p.Arg493Gln)

Gene: PLCG2 (phospholipase C gamma 2; plus strand). Cytogenetic location: 16q23.3.
Variant type: single nucleotide variant.
Coding change: c.1478G>A on transcript NM_002661.5 (MANE Select); coding-DNA position 1478, G replaced by A.
Protein change: p.Arg493Gln; replaces arginine 493 with glutamine.
Molecular consequence: missense variant.
Genome position (GRCh38, 1-based): chr16:81,907,695, G>A. VCF-style: chr16-81907695-G-A. GRCh37 (hg19) VCF-style: chr16-81941300-G-A.
Other names: short protein forms R493Q.
Identifiers: ClinVar variation 1045939 (VCV001045939.10), dbSNP rs369542682, ClinGen allele CA8193800.